The following is an entry in ClinVar:

ClinVar aggregate classification (germline): Uncertain significance. Review status: criteria provided, multiple submitters, no conflicts (2 of 4 stars). 3 submissions from 3 submitters: Uncertain significance (3). Last evaluated 2024-09-11.

Allele frequency attached by ClinVar (database versions not stated): gnomAD 0.00001; TOPMed 0.00001.
gnomAD v4.1: 6 of 1,613,984 alleles (0.00037%); highest among the groups gnomAD compares: Non-Finnish European, 0.00051%; no homozygotes.

Submissions (3):

GeneDx
Classification: Uncertain significance. Last evaluated: 2024-09-11. Review status: criteria provided, single submitter. Criteria: GeneDx Variant Classification Process June 2021. Collection method: clinical testing. Allele origin: germline. Affected: yes.
Comment: Not observed at significant frequency in large population cohorts (gnomAD); In silico analysis supports that this missense variant has a deleterious effect on protein structure/function; Has not been previously published as pathogenic or benign to our knowledge

Ambry Genetics
Classification: Uncertain significance. Last evaluated: 2024-04-25. Review status: criteria provided, single submitter. Criteria: Ambry Variant Classification Scheme 2023. Collection method: clinical testing. Allele origin: germline.
Comment: The p.E350K variant (also known as c.1048G>A), located in coding exon 6 of the MYLK2 gene, results from a G to A substitution at nucleotide position 1048. The glutamic acid at codon 350 is replaced by lysine, an amino acid with similar properties. This amino acid position is conserved. In addition, the in silico prediction for this alteration is inconclusive. Since supporting evidence is limited at this time, the clinical significance of this alteration remains unclear.

Women's Health and Genetics/Laboratory Corporation of America, LabCorp
Classification: Uncertain significance. Last evaluated: 2023-05-18. Review status: criteria provided, single submitter. Criteria: LabCorp Variant Classification Summary - May 2015. Collection method: clinical testing. Allele origin: germline.
Comment: Variant summary: MYLK2 c.1048G>A (p.Glu350Lys) results in a conservative amino acid change located in the Protein kinase domain (IPR000719) of the encoded protein sequence. Three of five in-silico tools predict a damaging effect of the variant on protein function. The variant allele was found at a frequency of 4e-06 in 251476 control chromosomes. The available data on variant occurrences in the general population are insufficient to allow any conclusion about variant significance. To our knowledge, no occurrence of c.1048G>A in individuals affected with Hypertrophic Cardiomyopathy and no experimental evidence demonstrating its impact on protein function have been reported. One clinical diagnostic laboratory has submitted clinical-significance assessments for this variant to ClinVar after 2014 and classified the variant as uncertain significance. Based on the evidence outlined above, the variant was classified as uncertain significance.

NM_033118.4(MYLK2):c.1048G>A (p.Glu350Lys)

Gene: MYLK2 (myosin light chain kinase 2; plus strand). Cytogenetic location: 20q11.21.
Variant type: single nucleotide variant.
Coding change: c.1048G>A on transcript NM_033118.4 (MANE Select); coding-DNA position 1048, G replaced by A.
Protein change: p.Glu350Lys; replaces glutamic acid 350 with lysine.
Molecular consequence: missense variant.
Genome position (GRCh38, 1-based): chr20:31,826,680, G>A. VCF-style: chr20-31826680-G-A. GRCh37 (hg19) VCF-style: chr20-30414483-G-A.
Other names: short protein forms E350K.
Identifiers: ClinVar variation 1776154 (VCV001776154.5), dbSNP rs1202287851, ClinGen allele CA408526976.